The following is an entry in ClinVar:

ClinVar aggregate classification (germline): Pathogenic. Review status: criteria provided, multiple submitters, no conflicts (2 of 4 stars). 2 submissions from 2 submitters: Pathogenic (2). Last evaluated 2025-07-22.

Conditions:
Maple syrup urine disease type 1A (MSUD1A). Also called: MSUD type 1A. Identifiers: MedGen C1855369, MONDO:0023691, OMIM 248600.
Maple syrup urine disease (MSUD). Identifiers: Orphanet 511, MedGen C0024776, MeSH D008375, MONDO:0009563. Disease mechanism: loss of function.

Allele frequency attached by ClinVar (database versions not stated): gnomAD exomes below 0.00001 and 0.00001; ExAC 0.00002.
gnomAD v4.1: 2 of 1,591,900 alleles (0.00013%); highest among the groups gnomAD compares: South Asian, 0.0023%; no homozygotes.

Submissions (2):

Natera, Inc.
Classification: Pathogenic for Maple syrup urine disease type 1A. Last evaluated: 2025-07-22. Review status: criteria provided, single submitter. Criteria: Natera Variant Classification Schema (03/2026). Collection method: clinical testing. Allele origin: germline.
Comment: The c.1069C>T variant in BCKDHA is a nonsense variant predicted to introduce a stop codon at amino acid 357. This variant is expected to result in nonsense mediated decay, truncation, or a dysfunctional protein product. This variant is rare in the general population with a frequency below the threshold expected for the associated phenotype(s). This variant has been observed in one or more individuals affected with the associated recessive disease, as either homozygous or compound heterozygous with a second variant (PMID: 36341173). Given the available evidence, this variant is classified as Pathogenic.

Genomic Research Center, Shahid Beheshti University of Medical Sciences
Classification: Pathogenic for Maple syrup urine disease. Last evaluated: 2019-01-01. Review status: criteria provided, single submitter. Criteria: ACMG Guidelines, 2015. Collection method: clinical testing. Allele origin: inherited. Affected: yes. Observed: 1 variant allele.

Literature cited by the submitters: PubMed 36341173 (cited by Natera, Inc.).

NM_000709.4(BCKDHA):c.1069C>T (p.Gln357Ter)

Gene: BCKDHA (branched chain keto acid dehydrogenase E1 subunit alpha; plus strand). Cytogenetic location: 19q13.2.
Variant type: single nucleotide variant.
Coding change: c.1069C>T on transcript NM_000709.4 (MANE Select); coding-DNA position 1069, C replaced by T.
Protein change: p.Gln357Ter; replaces glutamine 357 with a stop codon.
Molecular consequence: nonsense.
Genome position (GRCh38, 1-based): chr19:41,423,071, C>T. VCF-style: chr19-41423071-C-T. GRCh37 (hg19) VCF-style: chr19-41928976-C-T.
Other names: c.1066C>T, p.Gln356Ter (NM_001164783.2); short protein forms Q357*, Q356*.
Identifiers: ClinVar variation 634552 (VCV000634552.4), dbSNP rs762199542, ClinGen allele CA9461364.